The following is an entry in ClinVar:

ClinVar aggregate classification (germline): Uncertain significance (1 of 4 stars; one submission).

Conditions:
Primary ciliary dyskinesia. Also called: Ciliary dyskinesia. Identifiers: Orphanet 244, MedGen C0008780, MONDO:0016575, HP:0012265.

Submission:

Labcorp Genetics (formerly Invitae), Labcorp
Classification: Uncertain significance for Primary ciliary dyskinesia. Last evaluated: 2022-10-13. Review status: criteria provided, single submitter. Criteria: Invitae Variant Classification Sherloc (09022015). Collection method: clinical testing. Allele origin: germline.
Comment: This sequence change falls in intron 62 of the DNAH8 gene. It does not directly change the encoded amino acid sequence of the DNAH8 protein. It affects a nucleotide within the consensus splice site. This variant is not present in population databases (gnomAD no frequency). In summary, the available evidence is currently insufficient to determine the role of this variant in disease. Therefore, it has been classified as a Variant of Uncertain Significance. Variants that disrupt the consensus splice site are a relatively common cause of aberrant splicing (PMID: 17576681, 9536098). Algorithms developed to predict the effect of sequence changes on RNA splicing suggest that this variant is not likely to affect RNA splicing. ClinVar contains an entry for this variant (Variation ID: 1398972). This variant has not been reported in the literature in individuals affected with DNAH8-related conditions.

Literature cited by the submitters: PubMed 17576681; PubMed 9536098.

NM_001206927.2(DNAH8):c.9194+4G>C

Gene: DNAH8 (dynein axonemal heavy chain 8; plus strand). Cytogenetic location: 6p21.2.
Variant type: single nucleotide variant.
Coding change: c.9194+4G>C on transcript NM_001206927.2 (MANE Select); 4 bases into the intron after coding-DNA position 9194, G replaced by C.
Molecular consequence: intron variant.
Genome position (GRCh38, 1-based): chr6:38,899,910, G>C. VCF-style: chr6-38899910-G-C. GRCh37 (hg19) VCF-style: chr6-38867686-G-C.
Other names: c.8543+4G>C (NM_001371.4).
Identifiers: ClinVar variation 1398972 (VCV001398972.6), dbSNP rs1397795512, ClinGen allele CA2573140396.